The following is an entry in ClinVar:

ClinVar aggregate classification (germline): Conflicting classifications of pathogenicity. Review status: criteria provided, conflicting classifications (1 of 4 stars). 3 submissions from 3 submitters: Uncertain significance (1); Likely benign (2). Last evaluated 2025-09-02.

Conditions:
Walker-Warburg congenital muscular dystrophy. Also called: Muscular dystrophy-dystroglycanopathy, type A; Walker-Warburg syndrome. Identifiers: Orphanet 899, MedGen C0265221, MONDO:0000171.
Muscular dystrophy-dystroglycanopathy (congenital with impaired intellectual development), type B, 1. Also called: Muscular dystrophy-dystroglycanopathy (congenital with intellectual disability), type B1; MUSCULAR DYSTROPHY, CONGENITAL, POMT1-RELATED. Identifiers: MedGen C5436962, MONDO:0013159, OMIM 613155.
Autosomal recessive limb-girdle muscular dystrophy type 2K. Also called: MUSCULAR DYSTROPHY-DYSTROGLYCANOPATHY (LIMB-GIRDLE), TYPE C, 1; MUSCULAR DYSTROPHY, LIMB-GIRDLE, TYPE 2K. Identifiers: Orphanet 86812, MedGen C1836373, MONDO:0012248, OMIM 609308.

Allele frequency attached by ClinVar (database versions not stated): TOPMed 0.00002; ExAC 0.00003; gnomAD below 0.00001 and 0.00001; gnomAD exomes 0.00002.
gnomAD v4.1: 34 of 1,613,754 alleles (0.0021%); highest among the groups gnomAD compares: Middle Eastern, 0.033%; no homozygotes.

Submissions (3):

Labcorp Genetics (formerly Invitae), Labcorp
Classification: Likely benign for Muscular dystrophy-dystroglycanopathy (congenital with impaired intellectual development), type B, 1; Walker-Warburg congenital muscular dystrophy; Autosomal recessive limb-girdle muscular dystrophy type 2K. Last evaluated: 2025-09-02. Review status: criteria provided, single submitter. Criteria: Invitae Variant Classification Sherloc (09022015). Collection method: clinical testing. Allele origin: germline.

CeGaT Center for Human Genetics Tuebingen
Classification: Likely benign. Last evaluated: 2022-10-01. Review status: criteria provided, single submitter. Criteria: CeGaT Center For Human Genetics Tuebingen Variant Classification Criteria Version 2. Collection method: clinical testing. Allele origin: germline. Affected: yes. Observed: 1 variant allele.
Comment: POMT1: BP4, BP7

Eurofins Ntd Llc (ga)
Classification: Uncertain significance. Last evaluated: 2016-08-23. Review status: criteria provided, single submitter. Criteria: EGL Classification Definitions 2015. Collection method: clinical testing. Allele origin: germline. Observed: 1 variant allele, 1 heterozygote.

NM_001077365.2(POMT1):c.1647G>A (p.Glu549=)

Gene: POMT1 (protein O-mannosyltransferase 1; plus strand). Cytogenetic location: 9q34.13.
Variant type: single nucleotide variant.
Coding change: c.1647G>A on transcript NM_001077365.2 (MANE Select); coding-DNA position 1647, G replaced by A.
Protein change: p.Glu549=; no amino-acid change (glutamic acid 549 retained).
Molecular consequence: synonymous variant. On other transcripts: non-coding transcript variant (10).
Genome position (GRCh38, 1-based): chr9:131,520,142, G>A. VCF-style: chr9-131520142-G-A. GRCh37 (hg19) VCF-style: chr9-134395529-G-A.
Other names: c.1485G>A, p.Glu495= (NM_001077366.2, NM_001353194.2); c.1647G>A, p.Glu549= (NM_001136113.2); c.1296G>A, p.Glu432= (NM_001136114.2, NM_001353195.2, NM_001374691.1 and 2 more transcripts); c.1713G>A, p.Glu571= (NM_001353193.2, NM_007171.4); c.1557G>A, p.Glu519= (NM_001353196.2); c.1551G>A, p.Glu517= (NM_001353197.2, NM_001353198.2); c.1362G>A, p.Glu454= (NM_001353199.2); c.1191G>A, p.Glu397= (NM_001353200.2); and 3 more.
Identifiers: ClinVar variation 290632 (VCV000290632.37), dbSNP rs757830349, ClinGen allele CA5293766.
Genomic context (GRCh38, chr9:131,520,142, plus strand): 5'-GAGGATGCTGGCGCTGAGAAGTGATGACTCGGAACACAAGTACAGCTCCAGCCCACTGGA[G>A]TGGGTCACCCTGGACACCAATATTGCCTACTGGCTGCACCCCAGGACCAGCGTAAGCGAG-3'
Protein context (NP_001070833.1, residues 539-559): SEHKYSSSPL[Glu549=]WVTLDTNIAY